The following is an entry in ClinVar:

NM_005267.5(GJA8):c.477C>G (p.Thr159=)

Gene: GJA8 (gap junction protein alpha 8; plus strand). Cytogenetic location: 1q21.2.
Variant type: single nucleotide variant.
Coding change: c.477C>G on transcript NM_005267.5 (MANE Select); coding-DNA position 477, C replaced by G.
Protein change: p.Thr159=; no amino-acid change (threonine 159 retained).
Molecular consequence: synonymous variant.
Genome position (GRCh38, 1-based): chr1:147,908,432, C>G. VCF-style: chr1-147908432-C-G. GRCh37 (hg19) VCF-style: chr1-147380559-C-G.
Identifiers: ClinVar variation 3032820 (VCV003032820.2), dbSNP rs782140553, ClinGen allele CA420607159.
Genomic context (GRCh38, chr1:147,908,432, plus strand): 5'-GAAGTTCCGGCTGGAGGGGACCCTGCTGAGGACCTACATCTGCCACATCATCTTCAAGAC[C>G]CTCTTTGAAGTGGGCTTCATCGTGGGCCACTACTTCCTGTACGGGTTCCGGATCCTGCCT-3'
Protein context (NP_005258.2, residues 149-169): RTYICHIIFK[Thr159=]LFEVGFIVGH

ClinVar aggregate classification (germline): Likely benign (0 of 4 stars; one submission).

Conditions:
GJA8-related disorder. Also called: GJA8-related condition.

Submission:

PreventionGenetics, part of Exact Sciences
Classification: Likely benign for GJA8-related condition. Last evaluated: 2020-11-24. Review status: no assertion criteria provided. Collection method: clinical testing. Allele origin: germline.
Comment: This variant is classified as likely benign based on ACMG/AMP sequence variant interpretation guidelines (Richards et al. 2015 PMID: 25741868, with internal and published modifications).